The following is an entry in ClinVar:

NM_023110.3(FGFR1):c.166C>T (p.Arg56Trp)

Gene: FGFR1 (fibroblast growth factor receptor 1; minus strand). Cytogenetic location: 8p11.23.
Variant type: single nucleotide variant.
Coding change: c.166C>T on transcript NM_023110.3 (MANE Select); coding-DNA position 166, C replaced by T.
Protein change: p.Arg56Trp; replaces arginine 56 with tryptophan.
Molecular consequence: missense variant. On other transcripts: intron variant (5).
Genome position (GRCh38, 1-based): chr8:38,429,874, G>A on the plus strand (C>T on the coding strand, the complement: FGFR1 is on the minus strand). VCF-style: chr8-38429874-G-A. GRCh37 (hg19) VCF-style: chr8-38287392-G-A.
Other names: c.166C>T, p.Arg56Trp (NM_001174063.2, NM_001174065.2, NM_001354367.2 and 2 more transcripts); c.142C>T, p.Arg48Trp (NM_001174064.2); c.265C>T, p.Arg89Trp (NM_001174067.2); c.92-1439C>T (NM_001354368.2, NM_001354370.2, NM_023106.3 and 2 more transcripts); short protein forms R56W, R89W, R48W.
Identifiers: ClinVar variation 1030825 (VCV001030825.2), dbSNP rs1034848904, ClinGen allele CA175151953.

ClinVar aggregate classification (germline): Uncertain significance. Review status: criteria provided, multiple submitters, no conflicts (2 of 4 stars). 2 submissions from 2 submitters: Uncertain significance (2). Last evaluated 2023-04-03.

Conditions:
Encephalocraniocutaneous lipomatosis (ECCL). Identifiers: Orphanet 2396, MedGen C0406612, MONDO:0013074, OMIM 613001.

Allele frequency attached by ClinVar (database versions not stated): gnomAD 0.00001; gnomAD exomes 0.00001; TOPMed 0.00001.
gnomAD v4.1: 16 of 1,613,894 alleles (0.00099%); highest among the groups gnomAD compares: East Asian, 0.0045%; no homozygotes.

Submissions (2):

GeneDx
Classification: Uncertain significance. Last evaluated: 2023-04-03. Review status: criteria provided, single submitter. Criteria: GeneDx Variant Classification Process June 2021. Collection method: clinical testing. Allele origin: germline. Affected: yes.
Comment: Not observed at significant frequency in large population cohorts (gnomAD); In silico analysis supports that this missense variant has a deleterious effect on protein structure/function; Has not been previously published as pathogenic or benign to our knowledge

Baylor Genetics
Classification: Uncertain significance for Encephalocraniocutaneous lipomatosis. Last evaluated: 2020-06-03. Review status: criteria provided, single submitter. Criteria: ACMG Guidelines, 2015. Collection method: clinical testing. Allele origin: unknown. Affected: yes.
Comment: This variant was determined to be of uncertain significance according to ACMG Guidelines, 2015 [PMID:25741868].